The following is an entry in ClinVar:

NM_000049.4(ASPA):c.209A>G (p.Asn70Ser)

Genes: ASPA (aspartoacylase; plus strand), SPATA22 (spermatogenesis associated 22; minus strand). Cytogenetic location: 17p13.2.
Variant type: single nucleotide variant.
Coding change: c.209A>G on transcript NM_000049.4 (MANE Select); coding-DNA position 209, A replaced by G.
Protein change: p.Asn70Ser; replaces asparagine 70 with serine.
Molecular consequence: missense variant. On other transcripts: intron variant (2).
Genome position (GRCh38, 1-based): chr17:3,476,368, A>G. VCF-style: chr17-3476368-A-G. GRCh37 (hg19) VCF-style: chr17-3379662-A-G.
Other names: c.209A>G, p.Asn70Ser (NM_001128085.1); c.-73-6970T>C (NM_001321336.2, NM_001321337.2); short protein forms N70S.
Identifiers: ClinVar variation 2736390 (VCV002736390.3), dbSNP rs1470172490, ClinGen allele CA397681527.

ClinVar aggregate classification (germline): Pathogenic (1 of 4 stars; one submission).

Conditions:
Spongy degeneration of central nervous system. Also called: AMINOACYLASE 2 DEFICIENCY; ACY2 DEFICIENCY; ASP DEFICIENCY; ASPA DEFICIENCY; ASPARTOACYLASE DEFICIENCY; CANAVAN-VAN BOGAERT-BERTRAND DISEASE. Identifiers: Orphanet 141, MedGen C0206307, MONDO:0010079, OMIM 271900.

Allele frequency attached by ClinVar (database versions not stated): gnomAD exomes below 0.00001.
gnomAD v4.1: 1 of 1,614,146 alleles (0.000062%); highest among the groups gnomAD compares: East Asian, 0.0022%; no homozygotes.

Submission:

Labcorp Genetics (formerly Invitae), Labcorp
Classification: Pathogenic for Spongy degeneration of central nervous system. Last evaluated: 2024-02-05. Review status: criteria provided, single submitter. Criteria: Invitae Variant Classification Sherloc (09022015). Collection method: clinical testing. Allele origin: germline.
Comment: This sequence change replaces asparagine, which is neutral and polar, with serine, which is neutral and polar, at codon 70 of the ASPA protein (p.Asn70Ser). This variant is present in population databases (no rsID available, gnomAD 0.006%). This missense change has been observed in individual(s) with Canavan disease (PMID: 20129749). In at least one individual the data is consistent with being in trans (on the opposite chromosome) from a pathogenic variant. Advanced modeling of protein sequence and biophysical properties (such as structural, functional, and spatial information, amino acid conservation, physicochemical variation, residue mobility, and thermodynamic stability) performed at Invitae indicates that this missense variant is expected to disrupt ASPA protein function with a positive predictive value of 95%. For these reasons, this variant has been classified as Pathogenic.

Literature cited by the submitters: PubMed 20129749.